The following is an entry in ClinVar:

ClinVar aggregate classification (germline): Benign (0 of 4 stars; one submission).

Conditions:
POMC-related disorder. Also called: POMC-related condition; POMC-related disorders.

Submission:

PreventionGenetics, part of Exact Sciences
Classification: Benign for POMC-related condition. Last evaluated: 2022-02-16. Review status: no assertion criteria provided. Collection method: clinical testing. Allele origin: germline.
Comment: This variant is classified as benign based on ACMG/AMP sequence variant interpretation guidelines (Richards et al. 2015 PMID: 25741868, with internal and published modifications).

NM_000939.4(POMC):c.285_286insAGCAGCAGCGGCAGCAGCGGCAGCAGC (p.Ser95_Gly96insSerSerSerGlySerSerGlySerSer)

Gene: POMC (proopiomelanocortin; minus strand). Cytogenetic location: 2p23.3.
Variant type: Microsatellite.
Coding change: c.285_286insAGCAGCAGCGGCAGCAGCGGCAGCAGC on transcript NM_000939.4 (MANE Select); coding-DNA positions 285 to 286, AGCAGCAGCGGCAGCAGCGGCAGCAGC inserted.
Protein change: p.Ser95_Gly96insSerSerSerGlySerSerGlySerSer.
Genome position: GRCh38 VCF-style: chr2-25161599-C-CGCTGCTGCCGCTGCTGCCGCTGCTGCT. GRCh37 (hg19) VCF-style: chr2-25384468-C-CGCTGCTGCCGCTGCTGCCGCTGCTGCT.
Other names: c.285_286insAGCAGCAGCGGCAGCAGCGGCAGCAGC, p.Ser95_Gly96insSerSerSerGlySerSerGlySerSer (NM_001035256.3, NM_001319204.2, NM_001319205.2).
Identifiers: ClinVar variation 3029157 (VCV003029157.2), dbSNP rs1553400143.